The following is an entry in ClinVar:

ClinVar aggregate classification (germline): Uncertain significance (1 of 4 stars; one submission).

Submission:

CeGaT Center for Human Genetics Tuebingen
Classification: Uncertain significance. Last evaluated: 2026-08-01. Review status: criteria provided, single submitter. Criteria: CeGaT Center For Human Genetics Tuebingen Variant Classification Criteria Version 2. Collection method: clinical testing. Allele origin: germline. Affected: yes. Observed: 1 variant allele.
Comment: DNM1: PM2, PP2, PP3, PS2:Supporting

NM_004408.4(DNM1):c.1589A>C (p.Asn530Thr)

Gene: DNM1 (dynamin 1; plus strand). Cytogenetic location: 9q34.11.
Variant type: single nucleotide variant.
Coding change: c.1589A>C on transcript NM_004408.4 (MANE Select); coding-DNA position 1589, A replaced by C.
Protein change: p.Asn530Thr; replaces asparagine 530 with threonine.
Molecular consequence: missense variant.
Genome position (GRCh38, 1-based): chr9:128,242,263, A>C. VCF-style: chr9-128242263-A-C. GRCh37 (hg19) VCF-style: chr9-131004542-A-C.
Other names: c.1589A>C, p.Asn530Thr (NM_001005336.3, NM_001288737.2, NM_001288738.2 and 2 more transcripts); short protein forms N530T.
Identifiers: ClinVar variation 5040615 (VCV005040615.1).